The following is an entry in ClinVar:

ClinVar aggregate classification (germline): Uncertain significance. Review status: criteria provided, multiple submitters, no conflicts (2 of 4 stars). 2 submissions from 2 submitters: Uncertain significance (2). Last evaluated 2025-04-17.

Conditions:
Hereditary factor IX deficiency disease (HEMB). Also called: Hemophilia B; FACTOR IX DEFICIENCY; PLASMA THROMBOPLASTIN COMPONENT DEFICIENCY; F9 DEFICIENCY; Christmas Disease. Identifiers: Orphanet 98879, MedGen C0008533, MeSH D002836, MONDO:0010604, OMIM 306900.
Thrombophilia, X-linked, due to factor 9 defect. Identifiers: MedGen C2749016, MONDO:0010432, OMIM 300807.

Submissions (2):

Labcorp Genetics (formerly Invitae), Labcorp
Classification: Uncertain significance for Thrombophilia, X-linked, due to factor 9 defect; Hereditary factor IX deficiency disease. Last evaluated: 2025-04-17. Review status: criteria provided, single submitter. Criteria: Invitae Variant Classification Sherloc (09022015). Collection method: clinical testing. Allele origin: germline.
Comment: This sequence change replaces tryptophan, which is neutral and slightly polar, with arginine, which is basic and polar, at codon 88 of the F9 protein (p.Trp88Arg). This variant is not present in population databases (gnomAD no frequency). This missense change has been observed in individual(s) with hemophilia B (PMID: 17397055). ClinVar contains an entry for this variant (Variation ID: 2689037). Invitae Evidence Modeling of protein sequence and biophysical properties (such as structural, functional, and spatial information, amino acid conservation, physicochemical variation, residue mobility, and thermodynamic stability) indicates that this missense variant is expected to disrupt F9 protein function with a positive predictive value of 95%. In summary, the available evidence is currently insufficient to determine the role of this variant in disease. Therefore, it has been classified as a Variant of Uncertain Significance.

Revvity Omics, Revvity
Classification: Uncertain significance. Last evaluated: 2023-07-18. Review status: criteria provided, single submitter. Criteria: ACMG Guidelines, 2015. Collection method: clinical testing. Allele origin: germline.

Literature cited by the submitters: PubMed 17397055 (cited by Labcorp Genetics (formerly Invitae), Labcorp).

NM_000133.4(F9):c.262T>C (p.Trp88Arg)

Gene: F9 (coagulation factor IX; plus strand). Cytogenetic location: Xq27.1.
Variant type: single nucleotide variant.
Coding change: c.262T>C on transcript NM_000133.4 (MANE Select); coding-DNA position 262, T replaced by C.
Protein change: p.Trp88Arg; replaces tryptophan 88 with arginine.
Molecular consequence: missense variant.
Genome position (GRCh38, 1-based): chrX:139,537,371, T>C. VCF-style: chrX-139537371-T-C. GRCh37 (hg19) VCF-style: chrX-138619530-T-C.
Other names: c.262T>C, p.Trp88Arg (NM_001313913.2); short protein forms W88R.
Identifiers: ClinVar variation 2689037 (VCV002689037.3), dbSNP rs2520748004, ClinGen allele CA414436599.
Genomic context (GRCh38, chrX:139,537,371, plus strand): 5'-CCAAAACACTTTAGATATTACCGTTAATTTGTCTTCTTTTATTCTTTATAGACTGAATTT[T>C]GGAAGCAGTATGTTGGTAAGCAATTCATTTTATCCTCTAGCTAATATATGAAACATATGA-3'
Protein context (NP_000124.1, residues 78-98): FENTERTTEF[Trp88Arg]KQYVDGDQCE